The following is an entry in ClinVar:

ClinVar aggregate classification (germline): Uncertain significance (1 of 4 stars; one submission).

Allele frequency attached by ClinVar (database versions not stated): gnomAD 0.00001.
gnomAD v4.1: 3 of 1,612,640 alleles (0.00019%); highest among the groups gnomAD compares: Non-Finnish European, 0.00025%; no homozygotes.

Submission:

Labcorp Genetics (formerly Invitae), Labcorp
Classification: Uncertain significance. Last evaluated: 2022-10-12. Review status: criteria provided, single submitter. Criteria: Invitae Variant Classification Sherloc (09022015). Collection method: clinical testing. Allele origin: germline.
Comment: In summary, the available evidence is currently insufficient to determine the role of this variant in disease. Therefore, it has been classified as a Variant of Uncertain Significance. This sequence change falls in intron 9 of the PDE6B gene. It does not directly change the encoded amino acid sequence of the PDE6B protein. It affects a nucleotide within the consensus splice site. This variant is not present in population databases (gnomAD no frequency). This variant has not been reported in the literature in individuals affected with PDE6B-related conditions. Variants that disrupt the consensus splice site are a relatively common cause of aberrant splicing (PMID: 17576681, 9536098). Algorithms developed to predict the effect of sequence changes on RNA splicing suggest that this variant is not likely to affect RNA splicing.

Literature cited by the submitters: PubMed 17576681; PubMed 9536098.

NM_000283.4(PDE6B):c.1257+6C>A

Gene: PDE6B (phosphodiesterase 6B; plus strand). Cytogenetic location: 4p16.3.
Variant type: single nucleotide variant.
Coding change: c.1257+6C>A on transcript NM_000283.4 (MANE Select); 6 bases into the intron after coding-DNA position 1257, C replaced by A.
Molecular consequence: intron variant.
Genome position (GRCh38, 1-based): chr4:657,029, C>A. VCF-style: chr4-657029-C-A. GRCh37 (hg19) VCF-style: chr4-650818-C-A.
Other names: c.1257+6C>A (NM_001145291.2); c.420+6C>A (NM_001379246.1, NM_001379247.1, NM_001145292.2 and 1 more transcripts); c.102+6C>A (NM_001350155.3).
Identifiers: ClinVar variation 2121564 (VCV002121564.4), dbSNP rs557311366, ClinGen allele CA91083739.